The following is an entry in ClinVar:

NM_001278716.2(FBXL4):c.399A>G (p.Gln133=)

Gene: FBXL4 (F-box and leucine rich repeat protein 4; minus strand). Cytogenetic location: 6q16.2.
Variant type: single nucleotide variant.
Coding change: c.399A>G on transcript NM_001278716.2 (MANE Select); coding-DNA position 399, A replaced by G.
Protein change: p.Gln133=; no amino-acid change (glutamine 133 retained).
Molecular consequence: synonymous variant. On other transcripts: non-coding transcript variant (2).
Genome position (GRCh38, 1-based): chr6:98,926,590, T>C on the plus strand (A>G on the coding strand, the complement: FBXL4 is on the minus strand). VCF-style: chr6-98926590-T-C. GRCh37 (hg19) VCF-style: chr6-99374466-T-C.
Other names: c.399A>G, p.Gln133= (NM_012160.5).
Identifiers: ClinVar variation 437570 (VCV000437570.1), dbSNP rs772615224, ClinGen allele CA3933697.

ClinVar aggregate classification (germline): Uncertain significance (1 of 4 stars; one submission).

Conditions:
Mitochondrial DNA depletion syndrome 13. Also called: FBXL4-Related Encephalomyopathic Mitochondrial DNA Depletion Syndrome; Mitochondrial DNA depletion syndrome 13 (encephalomyopathic type). Identifiers: Orphanet 369897, MedGen C3809592, MONDO:0014198, OMIM 615471.

Allele frequency attached by ClinVar (database versions not stated): gnomAD exomes below 0.00001; ExAC 0.00001; TOPMed 0.00001.
gnomAD v4.1: 4 of 1,614,174 alleles (0.00025%); highest among the groups gnomAD compares: East Asian, 0.0089%; no homozygotes.

Submission:

Wong Mito Lab, Molecular and Human Genetics, Baylor College of Medicine
Classification: Uncertain significance for Mitochondrial DNA depletion syndrome 13. Last evaluated: 2017-08-10. Review status: criteria provided, single submitter. Criteria: ACMG Guidelines, 2015. Collection method: reference population. Allele origin: germline.
Comment: The NM_012160.4:c.399A>G (NP_036292.2:p.Gln133=) [GRCH38: NC_000006.12:g.98926590T>C] variant in FBXL4 gene is interpretated to be a Uncertain Significance - Insufficient Evidence based on ACMG guidelines (PMID: 25741868). This variant meets one or more of the following evidence codes reported in the ACMG-guideline. PM2:This variant is absent in key population databases. Based on this evidence code ClinGen Pathogenicity Calculator (PMID:28081714) suggested that the variant is Uncertain Significance - Insufficient Evidence.